The following is an entry in ClinVar:

NM_017946.4(FKBP14):c.560T>G (p.Ile187Ser)

Genes: FKBP14 (FKBP prolyl isomerase 14; minus strand), FKBP14-AS1 (FKBP14 antisense RNA 1; plus strand). Cytogenetic location: 7p14.3.
Variant type: single nucleotide variant.
Coding change: c.560T>G on transcript NM_017946.4 (MANE Select); coding-DNA position 560, T replaced by G.
Protein change: p.Ile187Ser; replaces isoleucine 187 with serine.
Molecular consequence: missense variant. On other transcripts: non-coding transcript variant (2).
Genome position (GRCh38, 1-based): chr7:30,014,811, A>C on the plus strand (T>G on the coding strand, the complement: FKBP14 is on the minus strand). VCF-style: chr7-30014811-A-C. GRCh37 (hg19) VCF-style: chr7-30054427-A-C.
Other names: short protein forms I187S.
Identifiers: ClinVar variation 1058327 (VCV001058327.8), dbSNP rs773564727, ClinGen allele CA4203374.

ClinVar aggregate classification (germline): Uncertain significance. Review status: criteria provided, multiple submitters, no conflicts (2 of 4 stars). 2 submissions from 2 submitters: Uncertain significance (2). Last evaluated 2023-05-11.

Conditions:
Cardiovascular phenotype. Identifiers: MedGen CN230736.
Ehlers-Danlos syndrome, kyphoscoliotic type, 2. Also called: Ehlers-Danlos syndrome with progressive kyphoscoliosis, myopathy, and hearing loss; Ehlers-Danlos syndrome, kyphoscoliotic and deafness type; FKBP14-Kyphoscoliotic Ehlers-Danlos Syndrome. Identifiers: Orphanet 300179, MedGen C3281160, MONDO:0013800, OMIM 614557.

Allele frequency attached by ClinVar (database versions not stated): gnomAD exomes below 0.00001; ExAC 0.00001.
gnomAD v4.1: 4 of 1,611,602 alleles (0.00025%); highest among the groups gnomAD compares: Non-Finnish European, 0.00034%; no homozygotes.

Submissions (2):

Ambry Genetics
Classification: Uncertain significance for Cardiovascular phenotype. Last evaluated: 2023-05-11. Review status: criteria provided, single submitter. Criteria: Ambry Variant Classification Scheme 2023. Collection method: clinical testing. Allele origin: germline.
Comment: The p.I187S variant (also known as c.560T>G), located in coding exon 4 of the FKBP14 gene, results from a T to G substitution at nucleotide position 560. The isoleucine at codon 187 is replaced by serine, an amino acid with dissimilar properties. This amino acid position is highly conserved in available vertebrate species. In addition, this alteration is predicted to be deleterious by in silico analysis. Since supporting evidence is limited at this time, the clinical significance of this alteration remains unclear.

Labcorp Genetics (formerly Invitae), Labcorp
Classification: Uncertain significance for Ehlers-Danlos syndrome, kyphoscoliotic type, 2. Last evaluated: 2021-08-26. Review status: criteria provided, single submitter. Criteria: Invitae Variant Classification Sherloc (09022015). Collection method: clinical testing. Allele origin: germline.
Comment: This sequence change replaces isoleucine with serine at codon 187 of the FKBP14 protein (p.Ile187Ser). The isoleucine residue is highly conserved and there is a large physicochemical difference between isoleucine and serine. This variant is present in population databases (rs773564727, ExAC 0.002%). This variant has not been reported in the literature in individuals affected with FKBP14-related conditions. Algorithms developed to predict the effect of missense changes on protein structure and function are either unavailable or do not agree on the potential impact of this missense change (SIFT: "Deleterious"; PolyPhen-2: "Probably Damaging"; Align-GVGD: "Class C0"). In summary, the available evidence is currently insufficient to determine the role of this variant in disease. Therefore, it has been classified as a Variant of Uncertain Significance.